The following is an entry in ClinVar:

NM_032609.3(COX4I2):c.481C>T (p.Arg161Cys)

Gene: COX4I2 (cytochrome c oxidase subunit 4I2; plus strand). Cytogenetic location: 20q11.21.
Variant type: single nucleotide variant.
Coding change: c.481C>T on transcript NM_032609.3 (MANE Select); coding-DNA position 481, C replaced by T.
Protein change: p.Arg161Cys; replaces arginine 161 with cysteine.
Molecular consequence: missense variant.
Genome position (GRCh38, 1-based): chr20:31,644,869, C>T. VCF-style: chr20-31644869-C-T. GRCh37 (hg19) VCF-style: chr20-30232672-C-T.
Other names: c.481C>T (NM_032609.2); short protein forms R161C.
Identifiers: ClinVar variation 2896497 (VCV002896497.4), dbSNP rs781340542, ClinGen allele CA9801999.

ClinVar aggregate classification (germline): Uncertain significance. Review status: criteria provided, multiple submitters, no conflicts (2 of 4 stars). 2 submissions from 2 submitters: Uncertain significance (2). Last evaluated 2025-09-02.

Allele frequency attached by ClinVar (database versions not stated): gnomAD 0.00002; TOPMed 0.00001; ExAC 0.00003.

Submissions (2):

Labcorp Genetics (formerly Invitae), Labcorp
Classification: Uncertain significance. Last evaluated: 2025-09-02. Review status: criteria provided, single submitter. Criteria: Invitae Variant Classification Sherloc (09022015). Collection method: clinical testing. Allele origin: germline.
Comment: This sequence change replaces arginine, which is basic and polar, with cysteine, which is neutral and slightly polar, at codon 161 of the COX4I2 protein (p.Arg161Cys). This variant is present in population databases (rs781340542, gnomAD 0.009%). This variant has not been reported in the literature in individuals affected with COX4I2-related conditions. ClinVar contains an entry for this variant (Variation ID: 2896497). An algorithm developed to predict the effect of missense changes on protein structure and function (PolyPhen-2) suggests that this variant is likely to be disruptive. In summary, the available evidence is currently insufficient to determine the role of this variant in disease. Therefore, it has been classified as a Variant of Uncertain Significance.

Ambry Genetics
Classification: Uncertain significance. Last evaluated: 2025-07-02. Review status: criteria provided, single submitter. Criteria: Ambry Variant Classification Scheme 2023. Collection method: clinical testing. Allele origin: germline.